The following is an entry in ClinVar:

NM_002474.3(MYH11):c.3684G>A (p.Thr1228=)

Gene: MYH11 (myosin heavy chain 11; minus strand). Cytogenetic location: 16p13.11.
Variant type: single nucleotide variant.
Coding change: c.3684G>A on transcript NM_002474.3 (MANE Select); coding-DNA position 3684, G replaced by A.
Protein change: p.Thr1228=; no amino-acid change (threonine 1228 retained).
Molecular consequence: synonymous variant.
Genome position (GRCh38, 1-based): chr16:15,727,022, C>T on the plus strand (G>A on the coding strand, the complement: MYH11 is on the minus strand). VCF-style: chr16-15727022-C-T. GRCh37 (hg19) VCF-style: chr16-15820879-C-T.
Other names: c.3705G>A, p.Thr1235= (NM_001040113.2, NM_001040114.2); c.3684G>A, p.Thr1228= (NM_022844.3).
Identifiers: ClinVar variation 386331 (VCV000386331.13), dbSNP rs370483512, ClinGen allele CA7921918.
Genomic context (GRCh38, chr16:15,727,022, plus strand): 5'-CTGCTTGGCCTGGCCCAGGACCCGCAGCTCCCCGGCCAGGTCTGCGTTCTCTTTCTCCAG[C>T]GTCTGCTTATTCTTGTCTAGGTTCGCCTTGGCCTGGCGAAGGAAGCAGAGGGGAGGGATA-3'
Protein context (NP_002465.1, residues 1218-1238): AKANLDKNKQ[Thr1228=]LEKENADLAG

ClinVar aggregate classification (germline): Likely benign. Review status: criteria provided, multiple submitters, no conflicts (2 of 4 stars). 5 submissions from 5 submitters: Likely benign (5). Last evaluated 2024-10-17.

Conditions:
Aortic aneurysm, familial thoracic 4 (AAT4). Also called: AORTIC ANEURYSM/AORTIC DISSECTION AND PATENT DUCTUS ARTERIOSUS. Identifiers: MedGen C1851504, MONDO:0007568, OMIM 132900.
Familial thoracic aortic aneurysm and aortic dissection (TAAD). Also called: Thoracic aortic aneurysms and dissections. Identifiers: Orphanet 91387, MedGen C4707243, MONDO:0019625.

Allele frequency attached by ClinVar (database versions not stated): gnomAD 0.00002 and 0.00003; gnomAD exomes 0.00002 and 0.00003; TOPMed 0.00002; ExAC 0.00003; ESP Exome Variant Server 0.00008.
gnomAD v4.1: 53 of 1,611,862 alleles (0.0033%); highest among the groups gnomAD compares: Middle Eastern, 0.016%; no homozygotes.

Submissions (5):

Labcorp Genetics (formerly Invitae), Labcorp
Classification: Likely benign for Aortic aneurysm, familial thoracic 4. Last evaluated: 2024-10-17. Review status: criteria provided, single submitter. Criteria: Invitae Variant Classification Sherloc (09022015). Collection method: clinical testing. Allele origin: germline.

All of Us Research Program, National Institutes of Health
Classification: Likely benign for Familial thoracic aortic aneurysm and aortic dissection. Last evaluated: 2024-02-05. Review status: criteria provided, single submitter. Criteria: ACMG Guidelines, 2015. Collection method: clinical testing. Allele origin: germline. Inheritance: Autosomal dominant inheritance. Observed: 6 variant alleles, 6 heterozygotes.
Comment: This study involves interpretation of variants in research participants for the purpose of population health screening. Participant phenotype was not available at the time of variant classification. Additional details can be found in publication PMID: 35346344, PMCID: PMC8962531

Blueprint Genetics
Classification: Likely benign. Last evaluated: 2023-09-26. Review status: criteria provided, single submitter. Criteria: ACMG Guidelines, 2015. Collection method: clinical testing. Allele origin: germline.

Ambry Genetics
Classification: Likely benign for Familial thoracic aortic aneurysm and aortic dissection. Last evaluated: 2021-05-15. Review status: criteria provided, single submitter. Criteria: Ambry Variant Classification Scheme 2023. Collection method: clinical testing. Allele origin: germline.

GeneDx
Classification: Likely benign. Last evaluated: 2016-05-25. Review status: criteria provided, single submitter. Criteria: GeneDx Variant Classification (06012015). Collection method: clinical testing. Allele origin: germline. Affected: yes.
Comment: This variant is considered likely benign or benign based on one or more of the following criteria: it is a conservative change, it occurs at a poorly conserved position in the protein, it is predicted to be benign by multiple in silico algorithms, and/or has population frequency not consistent with disease.